The following is an entry in ClinVar:

NM_174936.4(PCSK9):c.350G>A (p.Gly117Asp)

Gene: PCSK9 (proprotein convertase subtilisin/kexin type 9; plus strand). Cytogenetic location: 1p32.3.
Variant type: single nucleotide variant.
Coding change: c.350G>A on transcript NM_174936.4 (MANE Select); coding-DNA position 350, G replaced by A.
Protein change: p.Gly117Asp; replaces glycine 117 with aspartic acid.
Molecular consequence: missense variant.
Genome position (GRCh38, 1-based): chr1:55,043,985, G>A. VCF-style: chr1-55043985-G-A. GRCh37 (hg19) VCF-style: chr1-55509658-G-A.
Other names: short protein forms G117D.
Identifiers: ClinVar variation 627765 (VCV000627765.8), dbSNP rs761417131, ClinGen allele CA041567.

ClinVar aggregate classification (germline): Likely benign. Review status: criteria provided, multiple submitters, no conflicts (2 of 4 stars). 4 submissions from 4 submitters: Likely benign (4). Last evaluated 2025-10-25.

Conditions:
Familial hypercholesterolemia. Also called: Familial hypercholesterolemias; Familial hypercholesterolaemia. Identifiers: MedGen C0020445, MONDO:0005439.
Hypercholesterolemia, autosomal dominant, 3 (FHCL3). Also called: Familial Hypercholesterolemia, Autosomal Dominant, 3; PCSK9-Related Familial Hypercholesterolemia, Autosomal Dominant; Familial hypercholesterolemia 3. Identifiers: MedGen C1863551, MONDO:0011369, OMIM 603776.
Cardiovascular phenotype. Identifiers: MedGen CN230736.

Allele frequency attached by ClinVar (database versions not stated): ExAC 0.00001; gnomAD exomes 0.00001 and 0.00003.
gnomAD v4.1: 11 of 1,614,202 alleles (0.00068%); no homozygotes.

Submissions (4):

Ambry Genetics
Classification: Likely benign for Cardiovascular phenotype. Last evaluated: 2025-10-25. Review status: criteria provided, single submitter. Criteria: Ambry Variant Classification Scheme 2023. Collection method: clinical testing. Allele origin: germline.

Color Diagnostics, LLC DBA Color Health
Classification: Likely benign for Familial hypercholesterolemia. Last evaluated: 2024-09-04. Review status: criteria provided, single submitter. Criteria: ACMG Guidelines, 2015. Collection method: clinical testing. Allele origin: germline.

Labcorp Genetics (formerly Invitae), Labcorp
Classification: Likely benign for Hypercholesterolemia, autosomal dominant, 3. Last evaluated: 2024-01-29. Review status: criteria provided, single submitter. Criteria: Invitae Variant Classification Sherloc (09022015). Collection method: clinical testing. Allele origin: germline.

All of Us Research Program, National Institutes of Health
Classification: Likely benign for Hypercholesterolemia, autosomal dominant, 3. Last evaluated: 2023-12-01. Review status: criteria provided, single submitter. Criteria: ACMG Guidelines, 2015. Collection method: clinical testing. Allele origin: germline. Inheritance: Autosomal dominant inheritance. Observed: 6 variant alleles, 6 heterozygotes.
Comment: This study involves interpretation of variants in research participants for the purpose of population health screening. Participant phenotype was not available at the time of variant classification. Additional details can be found in publication PMID: 35346344, PMCID: PMC8962531